The following is an entry in ClinVar:

ClinVar aggregate classification (germline): Uncertain significance. Review status: criteria provided, multiple submitters, no conflicts (2 of 4 stars). 3 submissions from 3 submitters: Uncertain significance (3). Last evaluated 2026-04-23.

Conditions:
PKD1L1-related disorder. Also called: PKD1L1-related condition.

Allele frequency attached by ClinVar (database versions not stated): 1000 Genomes Project 30x 0.00016; gnomAD 0.00019; TOPMed 0.00019; 1000 Genomes Project 0.00020; ExAC 0.00022; gnomAD exomes 0.00022; ESP Exome Variant Server 0.00023.
gnomAD v4.1: 350 of 1,614,010 alleles (0.022%); highest among the groups gnomAD compares: Non-Finnish European, 0.025%; 1 homozygote.

Submissions (3):

PreventionGenetics, part of Exact Sciences
Classification: Uncertain significance for PKD1L1-related condition. Last evaluated: 2026-04-23. Review status: criteria provided, single submitter. Criteria: ACMG Guidelines, 2015. Collection method: clinical testing. Allele origin: germline.
Comment: The PKD1L1 c.2399T>C variant is predicted to result in the amino acid substitution p.Ile800Thr. This variant has been reported in the homozygous and the compound heterozygous state in individuals with heterotaxy (Berauer et al. 2019. PubMed ID: 30664273). This variant is reported in 0.058% of alleles in individuals of Ashkenazi Jewish descent in gnomAD. Although we suspect that this variant may be pathogenic, at this time, the clinical significance of this variant is uncertain due to the absence of conclusive functional and genetic evidence.

Labcorp Genetics (formerly Invitae), Labcorp
Classification: Uncertain significance. Last evaluated: 2025-10-02. Review status: criteria provided, single submitter. Criteria: Invitae Variant Classification Sherloc (09022015). Collection method: clinical testing. Allele origin: germline.
Comment: This sequence change replaces isoleucine, which is neutral and non-polar, with threonine, which is neutral and polar, at codon 800 of the PKD1L1 protein (p.Ile800Thr). This variant is present in population databases (rs148011149, gnomAD 0.06%). This missense change has been observed in individuals with biliary atresia splenic malformation syndrome (PMID: 30664273). ClinVar contains an entry for this variant (Variation ID: 1678314). Invitae Evidence Modeling of protein sequence and biophysical properties (such as structural, functional, and spatial information, amino acid conservation, physicochemical variation, residue mobility, and thermodynamic stability) has been performed for this missense variant. However, the output from this modeling did not meet the statistical confidence thresholds required to predict the impact of this variant on PKD1L1 protein function. In summary, the available evidence is currently insufficient to determine the role of this variant in disease. Therefore, it has been classified as a Variant of Uncertain Significance.

AiLife Diagnostics
Classification: Uncertain significance. Last evaluated: 2020-07-20. Review status: criteria provided, single submitter. Criteria: ACMG Guidelines, 2015. Collection method: clinical testing. Allele origin: germline. Affected: yes. Observed: 1 variant allele.

Literature cited by the submitters: PubMed 30664273 (cited by Labcorp Genetics (formerly Invitae), Labcorp and AiLife Diagnostics).

NM_138295.5(PKD1L1):c.2399T>C (p.Ile800Thr)

Gene: PKD1L1 (polycystin 1 like 1, transient receptor potential channel interacting; minus strand). Cytogenetic location: 7p12.3.
Variant type: single nucleotide variant.
Coding change: c.2399T>C on transcript NM_138295.5 (MANE Select); coding-DNA position 2399, T replaced by C.
Protein change: p.Ile800Thr; replaces isoleucine 800 with threonine.
Molecular consequence: missense variant.
Genome position (GRCh38, 1-based): chr7:47,893,932, A>G on the plus strand (T>C on the coding strand, the complement: PKD1L1 is on the minus strand). VCF-style: chr7-47893932-A-G. GRCh37 (hg19) VCF-style: chr7-47933529-A-G.
Other names: c.2399T>C (NM_138295.3); short protein forms I800T.
Identifiers: ClinVar variation 1678314 (VCV001678314.5), dbSNP rs148011149, ClinGen allele CA4253765.
Genomic context (GRCh38, chr7:47,893,932, plus strand): 5'-GCTCACCTGAGAGTCGCCCCAGGGTCGTCAGGGTCGAAGGACTGGGTCCCTCTGAGGACA[A>G]TGGGGGATGAGGTGGTCCTGGAGAAGAATAGGTGTGTGCCCTCGGAGATCACACTGACAG-3'
Protein context (NP_612152.1, residues 790-810): LFFSRTTSSP[Ile800Thr]VLRGTQSFDP